The following is an entry in ClinVar:

NM_002353.3(TACSTD2):c.762G>A (p.Glu254=)

Gene: TACSTD2 (tumor associated calcium signal transducer 2; minus strand). Cytogenetic location: 1p32.1.
Variant type: single nucleotide variant.
Coding change: c.762G>A on transcript NM_002353.3 (MANE Select); coding-DNA position 762, G replaced by A.
Protein change: p.Glu254=; no amino-acid change (glutamic acid 254 retained).
Molecular consequence: synonymous variant.
Genome position (GRCh38, 1-based): chr1:58,576,395, C>T on the plus strand (G>A on the coding strand, the complement: TACSTD2 is on the minus strand). VCF-style: chr1-58576395-C-T. GRCh37 (hg19) VCF-style: chr1-59042067-C-T.
Identifiers: ClinVar variation 297767 (VCV000297767.6), dbSNP rs144787622, ClinGen allele CA877338.

ClinVar aggregate classification (germline): Benign/Likely benign. Review status: criteria provided, multiple submitters, no conflicts (2 of 4 stars). 2 submissions from 2 submitters: Benign (1); Likely benign (1). Last evaluated 2025-04-14.

Conditions:
Gelatinous droplike corneal dystrophy (GDLD). Also called: AMYLOID CORNEAL DYSTROPHY, JAPANESE TYPE. Identifiers: Orphanet 98957, MedGen C0339273, MONDO:0008777, OMIM 204870.

Allele frequency attached by ClinVar (database versions not stated): gnomAD exomes 0.00008 and 0.00020; ExAC 0.00022; 1000 Genomes Project 0.00060; 1000 Genomes Project 30x 0.00062; gnomAD 0.00076 and 0.00079; TOPMed 0.00077; ESP Exome Variant Server 0.00092.
gnomAD v4.1: 228 of 1,613,444 alleles (0.014%); highest among the groups gnomAD compares: African/African-American, 0.28%; no homozygotes.

Submissions (2):

Labcorp Genetics (formerly Invitae), Labcorp
Classification: Benign. Last evaluated: 2025-04-14. Review status: criteria provided, single submitter. Criteria: Invitae Variant Classification Sherloc (09022015). Collection method: clinical testing. Allele origin: germline.

Illumina Laboratory Services, Illumina
Classification: Likely benign for Gelatinous droplike corneal dystrophy. Last evaluated: 2018-01-13. Review status: criteria provided, single submitter. Criteria: ICSL Variant Classification Criteria 13 December 2019. Collection method: clinical testing. Allele origin: germline.
Comment: This variant was observed in the ICSL laboratory as part of a predisposition screen in an ostensibly healthy population. It had not been previously curated by ICSL or reported in the Human Gene Mutation Database (HGMD: prior to June 1st, 2018), and was therefore a candidate for classification through an automated scoring system. Utilizing variant allele frequency, disease prevalence and penetrance estimates, and inheritance mode, an automated score was calculated to assess if this variant is too frequent to cause the disease. Based on the score and internal cut-off values, a variant classified as likely benign is not then subjected to further curation. The score for this variant resulted in a classification of likely benign for this disease.